The following is an entry in ClinVar:

NM_018139.3(DNAAF2):c.1638_1639del (p.Leu548fs)

Genes: DNAAF2 (dynein axonemal assembly factor 2; minus strand), LOC130055541 (ATAC-STARR-seq lymphoblastoid active region 8320; plus strand). Cytogenetic location: 14q21.3.
Variant type: Deletion.
Coding change: c.1638_1639del on transcript NM_018139.3 (MANE Select); coding-DNA positions 1638 to 1639, 2 bases deleted (AA; older notation c.1638_1639delAA).
Protein change: p.Leu548fs; shifts the reading frame from leucine 548.
Molecular consequence: frameshift variant. On other transcripts: 5 prime UTR variant (1).
Genome position (GRCh38, 1-based): chr14:49,633,511-49,633,512, TT deleted on the plus strand (AA on the coding strand, the reverse complement: DNAAF2 is on the minus strand); deleting any 2 consecutive bases within chr14:49,633,511-49,633,513 gives the same sequence; the c. name uses the placement nearest the transcript's 3' end. VCF-style (leftmost placement, unchanged base first): chr14-49633510-CTT-C. GRCh37 (hg19) VCF-style: chr14-50100228-CTT-C.
Other names: c.1638_1639del, p.Leu548fs (NM_001083908.2); c.-234_-233del (NM_001378453.1); short protein forms L548fs.
Identifiers: ClinVar variation 2916024 (VCV002916024.3), dbSNP rs2502766502, ClinGen allele CA2575582684.

ClinVar aggregate classification (germline): Pathogenic (1 of 4 stars; one submission).

Conditions:
Primary ciliary dyskinesia. Also called: Ciliary dyskinesia. Identifiers: Orphanet 244, MedGen C0008780, MONDO:0016575, HP:0012265.

Submission:

Labcorp Genetics (formerly Invitae), Labcorp
Classification: Pathogenic for Primary ciliary dyskinesia. Last evaluated: 2024-03-25. Review status: criteria provided, single submitter. Criteria: Invitae Variant Classification Sherloc (09022015). Collection method: clinical testing. Allele origin: germline.
Comment: This sequence change creates a premature translational stop signal (p.Leu548Serfs*31) in the DNAAF2 gene. It is expected to result in an absent or disrupted protein product. Loss-of-function variants in DNAAF2 are known to be pathogenic (PMID: 19052621, 24498942). This variant is not present in population databases (gnomAD no frequency). This variant has not been reported in the literature in individuals affected with DNAAF2-related conditions. For these reasons, this variant has been classified as Pathogenic.

Literature cited by the submitters: PubMed 19052621; PubMed 24498942.